The following is an entry in ClinVar:

NM_000297.4(PKD2):c.*235dup

Gene: PKD2 (polycystin 2, transient receptor potential cation channel; plus strand). Cytogenetic location: 4q22.1.
Variant type: Duplication.
Coding change: c.*235dup on transcript NM_000297.4 (MANE Select); 235 bases downstream of the stop codon, one base duplicated (A; older notation c.*235dupA).
Molecular consequence: 3 prime UTR variant. On other transcripts: non-coding transcript variant (1).
Genome position (GRCh38, 1-based): chr4:88,075,929, A duplicated; the last of 8 consecutive A bases (chr4:88,075,922-88,075,929); duplicating any one gives the same sequence. VCF-style (leftmost placement, unchanged base first): chr4-88075921-G-GA. GRCh37 (hg19) VCF-style: chr4-88997073-G-GA.
Identifiers: ClinVar variation 350035 (VCV000350035.6), dbSNP rs200938134, ClinGen allele CA10621933.
Genomic context (GRCh38, chr4:88,075,921, plus strand): 5'-GTTCAAAGATTTTTTTTTCTTTTTCTCATATAAGAAATCTAGGTGTAAATATTGAGTACA[G>GA]AAAAAAAATCTTCATGATGTGTATTGAGCGGTACGCCCAGTTGCCACCATGACTGAGTCT-3'

ClinVar aggregate classification (germline): Likely benign (1 of 4 stars; one submission).

Submission:

GeneDx
Classification: Likely benign. Last evaluated: 2020-02-14. Review status: criteria provided, single submitter. Criteria: GeneDx Variant Classification Process June 2021. Collection method: clinical testing. Allele origin: germline. Affected: yes.
Comment: See Variant Classification Assertion Criteria.